The following is an entry in ClinVar:

NM_000433.4(NCF2):c.964A>G (p.Ser322Gly)

Gene: NCF2 (neutrophil cytosolic factor 2; minus strand). Cytogenetic location: 1q25.3.
Variant type: single nucleotide variant.
Coding change: c.964A>G on transcript NM_000433.4 (MANE Select); coding-DNA position 964, A replaced by G.
Protein change: p.Ser322Gly; replaces serine 322 with glycine.
Molecular consequence: missense variant.
Genome position (GRCh38, 1-based): chr1:183,565,740, T>C on the plus strand (A>G on the coding strand, the complement: NCF2 is on the minus strand). VCF-style: chr1-183565740-T-C. GRCh37 (hg19) VCF-style: chr1-183534875-T-C.
Other names: c.964A>G, p.Ser322Gly (NM_001127651.3); c.721A>G, p.Ser241Gly (NM_001190789.2); c.829A>G, p.Ser277Gly (NM_001190794.2); c.856A>G, p.Ser286Gly (NM_001410895.1); short protein forms S241G, S277G, S322G, S286G.
Identifiers: ClinVar variation 1992585 (VCV001992585.1), dbSNP rs764404690, ClinGen allele CA1284728.

ClinVar aggregate classification (germline): Uncertain significance (1 of 4 stars; one submission).

Conditions:
Granulomatous disease, chronic, autosomal recessive, cytochrome b-positive, type 2. Also called: Chronic granulomatous disease due to deficiency of NCF-2; Chronic Granulomatous Disease, Autosomal Recessive, Cytochrome b-Positive, Type II; GRANULOMATOUS DISEASE, CHRONIC, DUE TO NCF2 DEFICIENCY; CGD, AUTOSOMAL RECESSIVE CYTOCHROME b-POSITIVE, TYPE II; GRANULOMATOUS DISEASE, CHRONIC, AUTOSOMAL RECESSIVE, 2. Identifiers: Orphanet 379, MedGen C1856245, MONDO:0009310, OMIM 233710.

Allele frequency attached by ClinVar (database versions not stated): ExAC 0.00002; gnomAD exomes 0.00002.
gnomAD v4.1: 24 of 1,612,798 alleles (0.0015%); highest among the groups gnomAD compares: Non-Finnish European, 0.002%; no homozygotes.

Submission:

Labcorp Genetics (formerly Invitae), Labcorp
Classification: Uncertain significance for Granulomatous disease, chronic, autosomal recessive, cytochrome b-positive, type 2. Last evaluated: 2022-05-10. Review status: criteria provided, single submitter. Criteria: Invitae Variant Classification Sherloc (09022015). Collection method: clinical testing. Allele origin: germline.
Comment: This sequence change replaces serine, which is neutral and polar, with glycine, which is neutral and non-polar, at codon 322 of the NCF2 protein (p.Ser322Gly). This variant is present in population databases (rs764404690, gnomAD 0.003%). This variant has not been reported in the literature in individuals affected with NCF2-related conditions. Algorithms developed to predict the effect of missense changes on protein structure and function (SIFT, PolyPhen-2, Align-GVGD) all suggest that this variant is likely to be tolerated. In summary, the available evidence is currently insufficient to determine the role of this variant in disease. Therefore, it has been classified as a Variant of Uncertain Significance.